The following is an entry in ClinVar:

ClinVar aggregate classification (germline): Uncertain significance (1 of 4 stars; one submission).

gnomAD v4.1: 7 of 1,556,306 alleles (0.00045%); highest among the groups gnomAD compares: Non-Finnish European, 0.00052%; no homozygotes.

Submission:

GeneDx
Classification: Uncertain significance. Last evaluated: 2022-08-04. Review status: criteria provided, single submitter. Criteria: GeneDx Variant Classification Process June 2021. Collection method: clinical testing. Allele origin: germline. Affected: yes.
Comment: Not observed at significant frequency in large population cohorts (gnomAD); In silico analysis supports that this missense variant has a deleterious effect on protein structure/function; Has not been previously published as pathogenic or benign to our knowledge

NM_005632.3(CAPN15):c.1876G>A (p.Glu626Lys)

Gene: CAPN15 (calpain 15; plus strand). Cytogenetic location: 16p13.3.
Variant type: single nucleotide variant.
Coding change: c.1876G>A on transcript NM_005632.3 (MANE Select); coding-DNA position 1876, G replaced by A.
Protein change: p.Glu626Lys; replaces glutamic acid 626 with lysine.
Molecular consequence: missense variant.
Genome position (GRCh38, 1-based): chr16:549,648, G>A. VCF-style: chr16-549648-G-A. GRCh37 (hg19) VCF-style: chr16-599648-G-A.
Other names: short protein forms E626K.
Identifiers: ClinVar variation 2428804 (VCV002428804.3), dbSNP rs866640416, ClinGen allele CA394039354.